The following is an entry in ClinVar:

ClinVar aggregate classification (germline): Uncertain significance (1 of 4 stars; one submission).

gnomAD v4.1: 1 of 1,613,972 alleles (0.000062%); highest among the groups gnomAD compares: Non-Finnish European, 0.000085%; no homozygotes.

Submission:

Labcorp Genetics (formerly Invitae), Labcorp
Classification: Uncertain significance. Last evaluated: 2022-01-16. Review status: criteria provided, single submitter. Criteria: Invitae Variant Classification Sherloc (09022015). Collection method: clinical testing. Allele origin: germline.
Comment: In summary, the available evidence is currently insufficient to determine the role of this variant in disease. Therefore, it has been classified as a Variant of Uncertain Significance. Algorithms developed to predict the effect of missense changes on protein structure and function are either unavailable or do not agree on the potential impact of this missense change (SIFT: "Deleterious"; PolyPhen-2: "Benign"; Align-GVGD: "Class C25"). This variant has not been reported in the literature in individuals affected with NBAS-related conditions. This variant is not present in population databases (gnomAD no frequency). This sequence change replaces proline, which is neutral and non-polar, with alanine, which is neutral and non-polar, at codon 2061 of the NBAS protein (p.Pro2061Ala).

NM_015909.4(NBAS):c.6181C>G (p.Pro2061Ala)

Gene: NBAS (NBAS subunit of NRZ tethering complex; minus strand). Cytogenetic location: 2p24.3.
Variant type: single nucleotide variant.
Coding change: c.6181C>G on transcript NM_015909.4 (MANE Select); coding-DNA position 6181, C replaced by G.
Protein change: p.Pro2061Ala; replaces proline 2061 with alanine.
Molecular consequence: missense variant. On other transcripts: non-coding transcript variant (1).
Genome position (GRCh38, 1-based): chr2:15,232,477, G>C on the plus strand (C>G on the coding strand, the complement: NBAS is on the minus strand). VCF-style: chr2-15232477-G-C. GRCh37 (hg19) VCF-style: chr2-15372601-G-C.
Other names: short protein forms P2061A.
Identifiers: ClinVar variation 2085293 (VCV002085293.4), dbSNP rs781102337, ClinGen allele CA345887415.
Genomic context (GRCh38, chr2:15,232,477, plus strand): 5'-CTTACCCCTTGTCCACACTGGCGTGGACTGCTGCAACAACACCTTCCAGGACCTTCAGTG[G>C]GTCCCTTGGCCCACCAAGGTCAGCACTGCCACCACTGTGAAAAGAGAGATAAACTGATTC-3'
Protein context (NP_056993.2, residues 2051-2071): GSADLGGPRD[Pro2061Ala]LKVLEGVVAA